The following is an entry in ClinVar:

NM_001128159.3(VPS53):c.687+265A>C

Gene: VPS53 (VPS53 subunit of GARP complex; minus strand). Cytogenetic location: 17p13.3.
Variant type: single nucleotide variant.
Coding change: c.687+265A>C on transcript NM_001128159.3 (MANE Select); 265 bases into the intron after coding-DNA position 687, A replaced by C.
Molecular consequence: intron variant.
Genome position (GRCh38, 1-based): chr17:631,285, T>G on the plus strand (A>C on the coding strand, the complement: VPS53 is on the minus strand). VCF-style: chr17-631285-T-G. GRCh37 (hg19) VCF-style: chr17-534525-T-G.
Other names: c.600+265A>C (NM_018289.4); c.687+265A>C (NM_001366253.2); c.93+265A>C (NM_001366254.2).
Identifiers: ClinVar variation 667585 (VCV000667585.1), dbSNP rs2002015, ClinGen allele CA14367644.
Genomic context (GRCh38, chr17:631,285, plus strand): 5'-CACCGCGGCATGAAGATTTCTTTTAAATACAGCCATGAGAAAAAAGGAATTGACAGGGCA[T>G]ACAAGATAGACGGTTTGAGACCTACATCAAATTAAGCCCAAACAAATCCTCTCTTTCTGA-3'

ClinVar aggregate classification (germline): Benign (1 of 4 stars; one submission).

Allele frequency attached by ClinVar (database versions not stated): 1000 Genomes Project 30x 0.46752; 1000 Genomes Project 0.47364; TOPMed 0.51212; gnomAD 0.52924 and 0.53021.
gnomAD v4.1: 79,887 of 150,722 alleles (53%); highest among the groups gnomAD compares: Non-Finnish European, 59%; 21,844 homozygotes.

Submission:

GeneDx
Classification: Benign. Last evaluated: 2018-06-19. Review status: criteria provided, single submitter. Criteria: GeneDx Variant Classification (06012015). Collection method: clinical testing. Allele origin: germline. Affected: yes.
Comment: This variant is considered likely benign or benign based on one or more of the following criteria: it is a conservative change, it occurs at a poorly conserved position in the protein, it is predicted to be benign by multiple in silico algorithms, and/or has population frequency not consistent with disease.